The following is an entry in ClinVar:

ClinVar aggregate classification (germline): Uncertain significance (1 of 4 stars; one submission).

Allele frequency attached by ClinVar (database versions not stated): gnomAD exomes below 0.00001.
gnomAD v4.1: 1 of 1,613,898 alleles (0.000062%); highest among the groups gnomAD compares: Non-Finnish European, 0.000085%; no homozygotes.

Submission:

CeGaT Center for Human Genetics Tuebingen
Classification: Uncertain significance. Last evaluated: 2024-04-01. Review status: criteria provided, single submitter. Criteria: CeGaT Center For Human Genetics Tuebingen Variant Classification Criteria Version 2. Collection method: clinical testing. Allele origin: germline. Affected: yes. Observed: 1 variant allele.
Comment: PLEKHH1: PM2, BP4

NM_020715.3(PLEKHH1):c.830G>A (p.Cys277Tyr)

Genes: GPHN (gephyrin; plus strand), PLEKHH1 (pleckstrin homology, MyTH4 and FERM domain containing H1; plus strand). Cytogenetic location: 14q24.1.
Variant type: single nucleotide variant.
Coding change: c.830G>A on transcript NM_020715.3 (MANE Select); coding-DNA position 830, G replaced by A.
Protein change: p.Cys277Tyr; replaces cysteine 277 with tyrosine.
Molecular consequence: missense variant.
Genome position (GRCh38, 1-based): chr14:67,562,461, G>A. VCF-style: chr14-67562461-G-A. GRCh37 (hg19) VCF-style: chr14-68029178-G-A.
Other names: short protein forms C277Y.
Identifiers: ClinVar variation 3234722 (VCV003234722.20), dbSNP rs2502941942, ClinGen allele CA390134928.